The following is an entry in ClinVar:

ClinVar aggregate classification (germline): Uncertain significance. Review status: criteria provided, multiple submitters, no conflicts (2 of 4 stars). 2 submissions from 2 submitters: Uncertain significance (2). Last evaluated 2025-03-01.

Conditions:
Inborn genetic diseases. Identifiers: MedGen C0950123, MeSH D030342.
Weill-Marchesani 4 syndrome, recessive. Also called: Weill-Marchesani syndrome 4. Identifiers: Orphanet 363992, MedGen C2750787, MONDO:0013176, OMIM 613195.

Allele frequency attached by ClinVar (database versions not stated): gnomAD exomes 0.00001; ExAC 0.00002; TOPMed 0.00003; gnomAD 0.00006.
gnomAD v4.1: 36 of 1,614,072 alleles (0.0022%); highest among the groups gnomAD compares: African/African-American, 0.0053%; no homozygotes.

Submissions (2):

Ambry Genetics
Classification: Uncertain significance for Inborn genetic diseases. Last evaluated: 2025-03-01. Review status: criteria provided, single submitter. Criteria: Ambry Variant Classification Scheme 2023. Collection method: clinical testing. Allele origin: germline.

Labcorp Genetics (formerly Invitae), Labcorp
Classification: Uncertain significance. Last evaluated: 2022-02-01. Review status: criteria provided, single submitter. Criteria: Invitae Variant Classification Sherloc (09022015). Collection method: clinical testing. Allele origin: germline.
Comment: This sequence change replaces aspartic acid, which is acidic and polar, with asparagine, which is neutral and polar, at codon 332 of the ADAMTS17 protein (p.Asp332Asn). This variant is present in population databases (rs746864724, gnomAD 0.004%). This variant has not been reported in the literature in individuals affected with ADAMTS17-related conditions. Algorithms developed to predict the effect of missense changes on protein structure and function are either unavailable or do not agree on the potential impact of this missense change (SIFT: "Not Available"; PolyPhen-2: "Probably Damaging"; Align-GVGD: "Not Available"). In summary, the available evidence is currently insufficient to determine the role of this variant in disease. Therefore, it has been classified as a Variant of Uncertain Significance.

NM_139057.4(ADAMTS17):c.994G>A (p.Asp332Asn)

Gene: ADAMTS17 (ADAM metallopeptidase with thrombospondin type 1 motif 17; minus strand). Cytogenetic location: 15q26.3.
Variant type: single nucleotide variant.
Coding change: c.994G>A on transcript NM_139057.4 (MANE Select); coding-DNA position 994, G replaced by A.
Protein change: p.Asp332Asn; replaces aspartic acid 332 with asparagine.
Molecular consequence: missense variant.
Genome position (GRCh38, 1-based): chr15:100,261,516, C>T on the plus strand (G>A on the coding strand, the complement: ADAMTS17 is on the minus strand). VCF-style: chr15-100261516-C-T. GRCh37 (hg19) VCF-style: chr15-100801721-C-T.
Other names: c.994G>A (NM_139057.3, NM_139057.2); short protein forms D332N.
Identifiers: ClinVar variation 1375095 (VCV001375095.5), dbSNP rs746864724, ClinGen allele CA7758455.